The following is an entry in ClinVar:

ClinVar aggregate classification (germline): Uncertain significance. Review status: criteria provided, single submitter (1 of 4 stars). 2 submissions from 2 submitters: Uncertain significance (1). 1 of the submissions does not count toward it. Last evaluated 2024-12-04.

Conditions:
Brugada syndrome 5 (BRGDA5). Identifiers: Orphanet 130, Orphanet 871, MedGen C2748541, MONDO:0013015, OMIM 612838.
Severe myoclonic epilepsy in infancy (DRVT). Also called: SEVERE MYOCLONIC EPILEPSY OF INFANCY; DEVELOPMENTAL AND EPILEPTIC ENCEPHALOPATHY 6A; Severe Myoclonic Epilepsy in Infancy (SMEI); Epileptic encephalopathy, early infantile, 6 (Dravet syndrome); Dravet syndrome. Identifiers: Orphanet 33069, MedGen C0751122, MONDO:0100135, OMIM 607208.

Allele frequency attached by ClinVar (database versions not stated): gnomAD 0.00001; TOPMed 0.00002.
gnomAD v4.1: 14 of 1,613,982 alleles (0.00087%); highest among the groups gnomAD compares: East Asian, 0.0045%; no homozygotes.

Submissions (2):

Labcorp Genetics (formerly Invitae), Labcorp
Classification: Uncertain significance for Brugada syndrome 5. Last evaluated: 2024-12-04. Review status: criteria provided, single submitter. Criteria: Invitae Variant Classification Sherloc (09022015). Collection method: clinical testing. Allele origin: germline.
Comment: This sequence change replaces glutamic acid, which is acidic and polar, with lysine, which is basic and polar, at codon 56 of the SCN1B protein (p.Glu56Lys). This variant is present in population databases (rs774152936, gnomAD 0.007%). This variant has not been reported in the literature in individuals affected with SCN1B-related conditions. ClinVar contains an entry for this variant (Variation ID: 1011994). An algorithm developed to predict the effect of missense changes on protein structure and function (PolyPhen-2) suggests that this variant is likely to be disruptive. In summary, the available evidence is currently insufficient to determine the role of this variant in disease. Therefore, it has been classified as a Variant of Uncertain Significance.

Unidad de Genómica Garrahan, Hospital de Pediatría Garrahan
Classification: Pathogenic for Severe myoclonic epilepsy in infancy. Last evaluated: 2020-06-29. Review status: no assertion criteria provided. Collection method: clinical testing. Allele origin: germline. Affected: yes. Not counted in ClinVar's aggregate classification.

NM_001037.5(SCN1B):c.166G>A (p.Glu56Lys)

Gene: SCN1B (sodium voltage-gated channel beta subunit 1; plus strand). Cytogenetic location: 19q13.11.
Variant type: single nucleotide variant.
Coding change: c.166G>A on transcript NM_001037.5 (MANE Select); coding-DNA position 166, G replaced by A.
Protein change: p.Glu56Lys; replaces glutamic acid 56 with lysine.
Molecular consequence: missense variant.
Genome position (GRCh38, 1-based): chr19:35,032,653, G>A. VCF-style: chr19-35032653-G-A. GRCh37 (hg19) VCF-style: chr19-35523557-G-A.
Other names: c.67G>A, p.Glu23Lys (NM_001321605.2); c.166G>A, p.Glu56Lys (NM_199037.5); short protein forms E23K, E56K.
Identifiers: ClinVar variation 1011994 (VCV001011994.11), dbSNP rs774152936, ClinGen allele CA9371967.
Genomic context (GRCh38, chr19:35,032,653, plus strand): 5'-TTCAAAATTCTTTGCATCTCCTGCAAGCGCCGCAGCGAGACCAACGCTGAGACCTTCACC[G>A]AGTGGACCTTCCGCCAGAAGGGCACTGAGGAGTTTGTCAAGGTGTGCGGGTGCCGGGAAC-3'
Protein context (NP_001028.1, residues 46-66): RSETNAETFT[Glu56Lys]WTFRQKGTEE